The following is an entry in ClinVar:

NM_003944.4(SELENBP1):c.1044+6G>C

Gene: SELENBP1 (selenium binding protein 1; minus strand). Cytogenetic location: 1q21.3.
Variant type: single nucleotide variant.
Coding change: c.1044+6G>C on transcript NM_003944.4 (MANE Select); 6 bases into the intron after coding-DNA position 1044, G replaced by C.
Molecular consequence: intron variant.
Genome position (GRCh38, 1-based): chr1:151,365,557, C>G on the plus strand (G>C on the coding strand, the complement: SELENBP1 is on the minus strand). VCF-style: chr1-151365557-C-G. GRCh37 (hg19) VCF-style: chr1-151338033-C-G.
Other names: c.858+6G>C (NM_001258288.2); c.1170+6G>C (NM_001258289.2).
Identifiers: ClinVar variation 3031521 (VCV003031521.2), dbSNP rs779841616, ClinGen allele CA1090117.

ClinVar aggregate classification (germline): Likely benign (0 of 4 stars; one submission).

Conditions:
SELENBP1-related disorder. Also called: SELENBP1-related condition.

Allele frequency attached by ClinVar (database versions not stated): gnomAD 0.00001; TOPMed 0.00005.
gnomAD v4.1: 29 of 1,613,988 alleles (0.0018%); highest among the groups gnomAD compares: Admixed American, 0.047%; no homozygotes.

Submission:

PreventionGenetics, part of Exact Sciences
Classification: Likely benign for SELENBP1-related condition. Last evaluated: 2020-11-23. Review status: no assertion criteria provided. Collection method: clinical testing. Allele origin: germline.
Comment: This variant is classified as likely benign based on ACMG/AMP sequence variant interpretation guidelines (Richards et al. 2015 PMID: 25741868, with internal and published modifications).